The following is an entry in ClinVar:

NM_001040142.2(SCN2A):c.787G>C (p.Ala263Pro)

Gene: SCN2A (sodium voltage-gated channel alpha subunit 2; plus strand). Cytogenetic location: 2q24.3.
Variant type: single nucleotide variant.
Coding change: c.787G>C on transcript NM_001040142.2 (MANE Select); coding-DNA position 787, G replaced by C.
Protein change: p.Ala263Pro; replaces alanine 263 with proline.
Molecular consequence: missense variant.
Genome position (GRCh38, 1-based): chr2:165,310,412, G>C. VCF-style: chr2-165310412-G-C. GRCh37 (hg19) VCF-style: chr2-166166922-G-C.
Other names: c.787G>C, p.Ala263Pro (NM_001040143.2, NM_001371246.1, NM_001371247.1 and 1 more transcripts); short protein forms A263P.
Identifiers: ClinVar variation 1013823 (VCV001013823.6), dbSNP rs1697364931, ClinGen allele CA349018091.

ClinVar aggregate classification (germline): Uncertain significance. Review status: criteria provided, multiple submitters, no conflicts (2 of 4 stars). 3 submissions from 3 submitters: Uncertain significance (3). Last evaluated 2025-04-18.

Conditions:
Developmental and epileptic encephalopathy, 11 (DEE11). Also called: Early infantile epileptic encephalopathy 11. Identifiers: Orphanet 1934, MedGen C3150987, MONDO:0013388, OMIM 613721.
Seizures, benign familial infantile, 3 (BFIS3). Also called: CONVULSIONS, BENIGN FAMILIAL INFANTILE, 3; Familial neonatal seizures. Identifiers: Orphanet 140927, Orphanet 306, MedGen C1843140, MONDO:0011904, OMIM 607745.
SCN2A-related disorder. Also called: SCN2A-related condition; SCN2A-related disorders. Identifiers: MedGen CN382226, MONDO:1060245.
Episodic ataxia, type 9. Identifiers: MedGen C5394520, MONDO:0030064, OMIM 618924.

Submissions (3):

3billion
Classification: Uncertain significance for SCN2A-related disorder. Last evaluated: 2025-04-18. Review status: criteria provided, single submitter. Criteria: ACMG Guidelines, 2015. Collection method: clinical testing. Allele origin: germline. Affected: yes.

Pittsburgh Clinical Genomics Laboratory, University of Pittsburgh Medical Center
Classification: Uncertain significance for Episodic ataxia, type 9. Last evaluated: 2023-03-20. Review status: criteria provided, single submitter. Criteria: ACMG Guidelines, 2015. Collection method: clinical testing. Allele origin: germline. Inheritance: Autosomal dominant inheritance. Affected: yes.
Comment: This sequence variant is a single nucleotide substitution (G>C) at coding position 787 in the SCN2A gene which results in an alanine to proline amino acid change at residue 263 in the SCN2A protein. This novel variant has not been reported previously in individuals with SCN2A-related disease, to our knowledge. This variant is absent from the gnomAD population database (0/~282000 alleles). Alanine is highly conserved at this protein position in vertebrates, and multiple bioinformatic tools predict that this amino acid change is deleterious. Functiol studies assessing the effect of this variant on protein structure or activity have not been performed, to our knowledge. At this time, there is insufficient evidence to determine if this variant is pathogenic or benign. Therefore, we consider it to be a variant of uncertain significance. ACMG Criteria: PM2, PP2, PP3

Labcorp Genetics (formerly Invitae), Labcorp
Classification: Uncertain significance for Seizures, benign familial infantile, 3; Developmental and epileptic encephalopathy, 11. Last evaluated: 2021-08-27. Review status: criteria provided, single submitter. Criteria: Invitae Variant Classification Sherloc (09022015). Collection method: clinical testing. Allele origin: germline.

Literature cited by the submitters: PubMed 20956790 (cited by 3billion).